The following is an entry in ClinVar:

NM_001005242.3(PKP2):c.2350G>A (p.Gly784Ser)

Gene: PKP2 (plakophilin 2; minus strand). Cytogenetic location: 12p11.21.
Variant type: single nucleotide variant.
Coding change: c.2350G>A on transcript NM_001005242.3 (MANE Select); coding-DNA position 2350, G replaced by A.
Protein change: p.Gly784Ser; replaces glycine 784 with serine.
Molecular consequence: missense variant.
Genome position (GRCh38, 1-based): chr12:32,796,116, C>T on the plus strand (G>A on the coding strand, the complement: PKP2 is on the minus strand). VCF-style: chr12-32796116-C-T. GRCh37 (hg19) VCF-style: chr12-32949050-C-T.
Other names: c.2482G>A, p.Gly828Ser (NM_004572.4); short protein forms G828S, G784S.
Identifiers: ClinVar variation 222765 (VCV000222765.7), dbSNP rs750119363, ClinGen allele CA035272.

ClinVar aggregate classification (germline): Conflicting classifications of pathogenicity. Review status: criteria provided, conflicting classifications (1 of 4 stars). 3 submissions from 3 submitters: Uncertain significance (1); Likely benign (2). Last evaluated 2025-03-09.

Conditions:
Cardiomyopathy (CMYO). Also called: Cardiomyopathies. Identifiers: Orphanet 167848, MedGen C0878544, MONDO:0004994, HP:0001638. Inheritance: Various modes of inheritance.
Arrhythmogenic right ventricular dysplasia 9 (ARVD9). Also called: Arrhythmogenic Right Ventricular Dysplasia/Cardiomyopathy 9; ARRHYTHMOGENIC RIGHT VENTRICULAR DYSPLASIA, FAMILIAL, 9. Identifiers: MedGen C1836906, MONDO:0012180, OMIM 609040.

Allele frequency attached by ClinVar (database versions not stated): TOPMed 0.00001; gnomAD exomes 0.00003 and 0.00011; gnomAD 0.00006 and 0.00007; ExAC 0.00008.
gnomAD v4.1: 61 of 1,613,814 alleles (0.0038%); highest among the groups gnomAD compares: Non-Finnish European, 0.001%; no homozygotes.

Submissions (3):

Color Diagnostics, LLC DBA Color Health
Classification: Uncertain significance for Cardiomyopathy. Last evaluated: 2025-03-09. Review status: criteria provided, single submitter. Criteria: ACMG Guidelines, 2015. Collection method: clinical testing. Allele origin: germline.
Comment: This missense variant replaces glycine with serine at codon 828 of the PKP2 protein. Computational prediction suggests that this variant may not impact protein structure and function (internally defined REVEL score threshold <= 0.5, PMID: 27666373). To our knowledge, functional studies have not been reported for this variant. This variant has not been reported in individuals affected with PKP2-related disorders in the literature. This variant has been identified in 33/282830 chromosomes in the general population by the Genome Aggregation Database (gnomAD). The available evidence is insufficient to determine the role of this variant in disease conclusively. Therefore, this variant is classified as a Variant of Uncertain Significance.

Labcorp Genetics (formerly Invitae), Labcorp
Classification: Likely benign for Arrhythmogenic right ventricular dysplasia 9. Last evaluated: 2023-07-07. Review status: criteria provided, single submitter. Criteria: Invitae Variant Classification Sherloc (09022015). Collection method: clinical testing. Allele origin: germline.

Blueprint Genetics
Classification: Likely benign. Last evaluated: 2023-03-06. Review status: criteria provided, single submitter. Criteria: ACMG Guidelines, 2015. Collection method: clinical testing. Allele origin: germline.